The following is an entry in ClinVar:

ClinVar aggregate classification (germline): Likely pathogenic (1 of 4 stars; one submission).

Conditions:
Muscular dystrophy, limb-girdle, autosomal recessive 29. Identifiers: MedGen C5935611, MONDO:0971171, OMIM 620793.

gnomAD v4.1: 8 of 1,613,978 alleles (0.0005%); highest among the groups gnomAD compares: Non-Finnish European, 0.00068%; no homozygotes.

Submission:

Harry Perkins Institute Of Medical Research, University Of Western Australia
Classification: Likely pathogenic for Muscular dystrophy, limb-girdle, autosomal recessive 29. Review status: criteria provided, single submitter. Criteria: ACMG Guidelines, 2015. Collection method: research. Allele origin: germline. Inheritance: Autosomal recessive inheritance. Affected: yes. Observed: 1 compound heterozygote.
Comment: Variant previously reported as disease causing (PMID: 38366623, PMID: 38413582). Variant identified in trans with c.435_436delinsAA

Literature cited by the submitters: PubMed 38366623; PubMed 38413582.

NM_005701.4(SNUPN):c.926T>G (p.Ile309Ser)

Gene: SNUPN (snurportin 1; minus strand). Cytogenetic location: 15q24.2.
Variant type: single nucleotide variant.
Coding change: c.926T>G on transcript NM_005701.4 (MANE Select); coding-DNA position 926, T replaced by G.
Protein change: p.Ile309Ser; replaces isoleucine 309 with serine.
Molecular consequence: missense variant.
Genome position (GRCh38, 1-based): chr15:75,598,515, A>C on the plus strand (T>G on the coding strand, the complement: SNUPN is on the minus strand). VCF-style: chr15-75598515-A-C. GRCh37 (hg19) VCF-style: chr15-75890856-A-C.
Other names: c.926T>G, p.Ile309Ser (NM_001042581.2, NM_001042588.2); short protein forms I309S.
Identifiers: ClinVar variation 4857656 (VCV004857656.1).
Genomic context (GRCh38, chr15:75,598,515, plus strand): 5'-GAGGCCTTGTGTGTGAGTTTCTCCTTCATGCCTTCCTTCTGGCTCTTCTTGTGCTCCATA[A>C]TCTGCTGGAGCTGGTGCCCAGCATAGTCTGGCTTGGTGGTCAGCGGGCCAGCCGGCACAG-3'
Protein context (NP_005692.1, residues 299-319): PDYAGHQLQQ[Ile309Ser]MEHKKSQKEG